The following is an entry in ClinVar:

ClinVar aggregate classification (germline): Uncertain significance. Review status: criteria provided, multiple submitters, no conflicts (2 of 4 stars). 2 submissions from 2 submitters: Uncertain significance (2). Last evaluated 2023-05-18.

Conditions:
Brown-Vialetto-van Laere syndrome 2. Also called: Riboflavin transporter deficiency type 2; SPINOCEREBELLAR ATAXIA WITH BLINDNESS AND DEAFNESS 2. Identifiers: Orphanet 572543, Orphanet 97229, MedGen C3553538, MONDO:0013867, OMIM 614707.

Allele frequency attached by ClinVar (database versions not stated): TOPMed 0.00007; ExAC 0.00002; gnomAD exomes 0.00001 and 0.00002; gnomAD 0.00004.

Submissions (2):

GeneDx
Classification: Uncertain significance. Last evaluated: 2023-05-18. Review status: criteria provided, single submitter. Criteria: GeneDx Variant Classification Process June 2021. Collection method: clinical testing. Allele origin: germline. Affected: yes.
Comment: Not observed at significant frequency in large population cohorts (gnomAD); In silico analysis supports that this missense variant does not alter protein structure/function; Has not been previously published as pathogenic or benign to our knowledge

Labcorp Genetics (formerly Invitae), Labcorp
Classification: Uncertain significance for Brown-Vialetto-van Laere syndrome 2. Last evaluated: 2021-09-01. Review status: criteria provided, single submitter. Criteria: Invitae Variant Classification Sherloc (09022015). Collection method: clinical testing. Allele origin: germline.
Comment: This sequence change replaces glutamic acid with lysine at codon 171 of the SLC52A2 protein (p.Glu171Lys). The glutamic acid residue is highly conserved and there is a small physicochemical difference between glutamic acid and lysine. This variant is present in population databases (rs782584577, ExAC 0.01%). This variant has not been reported in the literature in individuals affected with SLC52A2-related conditions. Algorithms developed to predict the effect of missense changes on protein structure and function (SIFT, PolyPhen-2, Align-GVGD) all suggest that this variant is likely to be tolerated. In summary, the available evidence is currently insufficient to determine the role of this variant in disease. Therefore, it has been classified as a Variant of Uncertain Significance.

NM_001363118.2(SLC52A2):c.511G>A (p.Glu171Lys)

Gene: SLC52A2 (solute carrier family 52 member 2; plus strand). Cytogenetic location: 8q24.3.
Variant type: single nucleotide variant.
Coding change: c.511G>A on transcript NM_001363118.2 (MANE Select); coding-DNA position 511, G replaced by A.
Protein change: p.Glu171Lys; replaces glutamic acid 171 with lysine.
Molecular consequence: missense variant. On other transcripts: non-coding transcript variant (1), intron variant (1).
Genome position (GRCh38, 1-based): chr8:144,360,003, G>A. VCF-style: chr8-144360003-G-A. GRCh37 (hg19) VCF-style: chr8-145583663-G-A.
Other names: c.511G>A, p.Glu171Lys (NM_001253815.2, NM_001253816.2, NM_001363120.2 and 2 more transcripts); c.131-112G>A (NM_001363122.2); short protein forms E171K.
Identifiers: ClinVar variation 570548 (VCV000570548.5), dbSNP rs782584577, ClinGen allele CA4938205.